The following is an entry in ClinVar:

ClinVar aggregate classification (germline): Uncertain significance (1 of 4 stars; one submission).

Conditions:
Polyglandular autoimmune syndrome, type 1 (APS1). Also called: AUTOIMMUNE POLYENDOCRINE SYNDROME, TYPE I, WITH OR WITHOUT REVERSIBLE METAPHYSEAL DYSPLASIA; APS I; Autoimmune polyendocrine syndrome type 1; Autoimmune polyendocrinopathy syndrome, type I; Autoimmune polyendocrinopathy syndrome , type I, with or without reversible metaphyseal dysplasia; Whitaker syndrome. Identifiers: Orphanet 3453, MedGen C0085859, MONDO:0009411, OMIM 240300.

Submission:

Labcorp Genetics (formerly Invitae), Labcorp
Classification: Uncertain significance for Polyglandular autoimmune syndrome, type 1. Last evaluated: 2024-08-06. Review status: criteria provided, single submitter. Criteria: Invitae Variant Classification Sherloc (09022015). Collection method: clinical testing. Allele origin: germline.
Comment: This sequence change replaces alanine, which is neutral and non-polar, with valine, which is neutral and non-polar, at codon 541 of the AIRE protein (p.Ala541Val). This variant is not present in population databases (gnomAD no frequency). This variant has not been reported in the literature in individuals affected with AIRE-related conditions. Advanced modeling of protein sequence and biophysical properties (such as structural, functional, and spatial information, amino acid conservation, physicochemical variation, residue mobility, and thermodynamic stability) performed at Invitae indicates that this missense variant is not expected to disrupt AIRE protein function with a negative predictive value of 95%. In summary, the available evidence is currently insufficient to determine the role of this variant in disease. Therefore, it has been classified as a Variant of Uncertain Significance.

NM_000383.4(AIRE):c.1622C>T (p.Ala541Val)

Gene: AIRE (autoimmune regulator; plus strand). Cytogenetic location: 21q22.3.
Variant type: single nucleotide variant.
Coding change: c.1622C>T on transcript NM_000383.4 (MANE Select); coding-DNA position 1622, C replaced by T.
Protein change: p.Ala541Val; replaces alanine 541 with valine.
Molecular consequence: missense variant.
Genome position (GRCh38, 1-based): chr21:44,297,711, C>T. VCF-style: chr21-44297711-C-T. GRCh37 (hg19) VCF-style: chr21-45717594-C-T.
Other names: short protein forms A541V.
Identifiers: ClinVar variation 3617344 (VCV003617344.2).
Genomic context (GRCh38, chr21:44,297,711, plus strand): 5'-CGCAGCACACCTTCGATGGCATCCTGCAGTGGGCCATCCAGAGCATGGCCCGTCCGGCGG[C>T]CCCCTTCCCCTCCTGACCCCAGATGGCCGGGACATGCAGCTCTGATGAGAGAGTGCTGAG-3'
Protein context (NP_000374.1, residues 531-545): WAIQSMARPA[Ala541Val]PFPS